The following is an entry in ClinVar:

ClinVar aggregate classification (germline): Uncertain significance. Review status: criteria provided, multiple submitters, no conflicts (2 of 4 stars). 3 submissions from 3 submitters: Uncertain significance (3). Last evaluated 2024-06-17.

Conditions:
Senior-Loken syndrome 4 (SLSN4). Identifiers: Orphanet 3156, MedGen C1846979, MONDO:0011756, OMIM 606996.
Nephronophthisis 4 (NPHP4). Also called: NEPHRONOPHTHISIS 4, JUVENILE. Identifiers: Orphanet 655, MedGen C1847013, MONDO:0011752, OMIM 606966.
Nephronophthisis. Also called: Juvenile Nephronophthisis. Identifiers: Orphanet 655, MedGen C0687120, MONDO:0019005, HP:0000090.

Allele frequency attached by ClinVar (database versions not stated): TOPMed 0.00001.
gnomAD v4.1: 15 of 1,604,176 alleles (0.00094%); highest among the groups gnomAD compares: Middle Eastern, 0.017%; no homozygotes.

Submissions (3):

Fulgent Genetics
Classification: Uncertain significance for Nephronophthisis 4; Senior-Loken syndrome 4. Last evaluated: 2024-06-17. Review status: criteria provided, single submitter. Criteria: ACMG Guidelines, 2015. Collection method: clinical testing. Allele origin: germline.

Labcorp Genetics (formerly Invitae), Labcorp
Classification: Uncertain significance for Nephronophthisis. Last evaluated: 2021-10-07. Review status: criteria provided, single submitter. Criteria: Invitae Variant Classification Sherloc (09022015). Collection method: clinical testing. Allele origin: germline.
Comment: This sequence change replaces arginine with glycine at codon 488 of the NPHP4 protein (p.Arg488Gly). The arginine residue is moderately conserved and there is a moderate physicochemical difference between arginine and glycine. This variant is not present in population databases (ExAC no frequency). This variant has not been reported in the literature in individuals affected with NPHP4-related conditions. ClinVar contains an entry for this variant (Variation ID: 502353). Algorithms developed to predict the effect of missense changes on protein structure and function are either unavailable or do not agree on the potential impact of this missense change (SIFT: "Deleterious"; PolyPhen-2: "Benign"; Align-GVGD: "Class C0"). In summary, the available evidence is currently insufficient to determine the role of this variant in disease. Therefore, it has been classified as a Variant of Uncertain Significance.

Eurofins Ntd Llc (ga)
Classification: Uncertain significance. Last evaluated: 2017-05-31. Review status: criteria provided, single submitter. Criteria: EGL Classification Definitions 2015. Collection method: clinical testing. Allele origin: germline. Observed: 1 variant allele, 1 heterozygote.

NM_015102.5(NPHP4):c.1462C>G (p.Arg488Gly)

Gene: NPHP4 (nephrocystin 4; minus strand). Cytogenetic location: 1p36.31.
Variant type: single nucleotide variant.
Coding change: c.1462C>G on transcript NM_015102.5 (MANE Select); coding-DNA position 1462, C replaced by G.
Protein change: p.Arg488Gly; replaces arginine 488 with glycine.
Molecular consequence: missense variant. On other transcripts: non-coding transcript variant (1), intron variant (2).
Genome position (GRCh38, 1-based): chr1:5,909,193, G>C on the plus strand (C>G on the coding strand, the complement: NPHP4 is on the minus strand). VCF-style: chr1-5909193-G-C. GRCh37 (hg19) VCF-style: chr1-5969253-G-C.
Other names: c.76-3410C>G (NM_001291594.2); c.76-3413C>G (NM_001291593.2); short protein forms R488G.
Identifiers: ClinVar variation 502353 (VCV000502353.8), dbSNP rs778043242, ClinGen allele CA338057656.